The following is an entry in ClinVar:

ClinVar aggregate classification (germline): Likely benign (0 of 4 stars; one submission).

Conditions:
SYNRG-related disorder. Also called: SYNRG-related condition.

Allele frequency attached by ClinVar (database versions not stated): gnomAD exomes 0.00004; ESP Exome Variant Server 0.00008; TOPMed 0.00014; gnomAD 0.00016; ExAC 0.00022; 1000 Genomes Project 0.00040; 1000 Genomes Project 30x 0.00047.
gnomAD v4.1: 118 of 1,604,630 alleles (0.0074%); highest among the groups gnomAD compares: East Asian, 0.14%; 1 homozygote.

Submission:

PreventionGenetics, part of Exact Sciences
Classification: Likely benign for SYNRG-related condition. Last evaluated: 2019-09-13. Review status: no assertion criteria provided. Collection method: clinical testing. Allele origin: germline.
Comment: This variant is classified as likely benign based on ACMG/AMP sequence variant interpretation guidelines (Richards et al. 2015 PMID: 25741868, with internal and published modifications).

NM_007247.6(SYNRG):c.3518-6C>T

Gene: SYNRG (synergin gamma; minus strand). Cytogenetic location: 17q12.
Variant type: single nucleotide variant.
Coding change: c.3518-6C>T on transcript NM_007247.6 (MANE Select); 6 bases into the intron before coding-DNA position 3518, C replaced by T.
Molecular consequence: intron variant.
Genome position (GRCh38, 1-based): chr17:37,536,133, G>A on the plus strand (C>T on the coding strand, the complement: SYNRG is on the minus strand). VCF-style: chr17-37536133-G-A. GRCh37 (hg19) VCF-style: chr17-35896235-G-A.
Other names: c.3281-6C>T (NM_001163545.3); c.2900-6C>T (NM_001163547.3); c.3149-6C>T (NM_001163546.3); c.3284-6C>T (NM_080550.5, NM_001163544.3, NM_198882.3); c.3821-6C>T (NM_001405103.1).
Identifiers: ClinVar variation 3040271 (VCV003040271.2), dbSNP rs370372736, ClinGen allele CA8517182.
Genomic context (GRCh38, chr17:37,536,133, plus strand): 5'-GTGGCTTTTATCCCCAGCTCCACACGCTTGGTTACCCTGTACACTTCAACAACACCTGAC[G>A]GGATGAGAGAGCAGAGAGAGAGTGTTGGCAGTGGAGACACAGAGGACCCAGACAGGGGAG-3'